The following is an entry in ClinVar:

NM_000179.3(MSH6):c.1616T>A (p.Leu539His)

Gene: MSH6 (mutS homolog 6; plus strand). Cytogenetic location: 2p16.3.
Variant type: single nucleotide variant.
Coding change: c.1616T>A on transcript NM_000179.3 (MANE Select); coding-DNA position 1616, T replaced by A.
Protein change: p.Leu539His; replaces leucine 539 with histidine.
Molecular consequence: missense variant.
Genome position (GRCh38, 1-based): chr2:47,799,599, T>A. VCF-style: chr2-47799599-T-A. GRCh37 (hg19) VCF-style: chr2-48026738-T-A.
Other names: c.1226T>A, p.Leu409His (NM_001281492.2); c.710T>A, p.Leu237His (NM_001281493.2, NM_001281494.2); short protein forms L237H, L539H, L409H.
Identifiers: ClinVar variation 654465 (VCV000654465.10), dbSNP rs1422865375, ClinGen allele CA346747048.

ClinVar aggregate classification (germline): Uncertain significance. Review status: criteria provided, multiple submitters, no conflicts (2 of 4 stars). 2 submissions from 2 submitters: Uncertain significance (2). Last evaluated 2024-04-11.

Conditions:
Hereditary nonpolyposis colorectal neoplasms. Identifiers: MedGen C0009405, MeSH D003123.
Hereditary cancer-predisposing syndrome. Also called: Hereditary neoplastic syndrome; Tumor predisposition; Neoplastic Syndromes, Hereditary; Hereditary Cancer Syndrome. Identifiers: Orphanet 140162, MedGen C0027672, MeSH D009386, MONDO:0015356.

Allele frequency attached by ClinVar (database versions not stated): gnomAD exomes below 0.00001.
gnomAD v4.1: 1 of 1,614,200 alleles (0.000062%); highest among the groups gnomAD compares: Admixed American, 0.0017%; no homozygotes.

Submissions (2):

Ambry Genetics
Classification: Uncertain significance for Hereditary cancer-predisposing syndrome. Last evaluated: 2024-04-11. Review status: criteria provided, single submitter. Criteria: Ambry Variant Classification Scheme 2023. Collection method: clinical testing. Allele origin: germline.
Comment: The p.L539H variant (also known as c.1616T>A), located in coding exon 4 of the MSH6 gene, results from a T to A substitution at nucleotide position 1616. The leucine at codon 539 is replaced by histidine, an amino acid with similar properties. This variant has been identified in a cohort of 8085 Chinese breast cancer patients (Hu L et al. NPJ Breast Cancer, 2022 Apr;8:52). This amino acid position is highly conserved in available vertebrate species. In addition, this alteration is predicted to be deleterious by in silico analysis. Based on the available evidence, the clinical significance of this variant remains unclear.

Labcorp Genetics (formerly Invitae), Labcorp
Classification: Uncertain significance for Hereditary nonpolyposis colorectal neoplasms. Last evaluated: 2018-10-16. Review status: criteria provided, single submitter. Criteria: Invitae Variant Classification Sherloc (09022015). Collection method: clinical testing. Allele origin: germline.
Comment: In summary, the available evidence is currently insufficient to determine the role of this variant in disease. Therefore, it has been classified as a Variant of Uncertain Significance. Algorithms developed to predict the effect of missense changes on protein structure and function (SIFT, PolyPhen-2, Align-GVGD) all suggest that this variant is likely to be disruptive, but these predictions have not been confirmed by published functional studies and their clinical significance is uncertain. This variant has not been reported in the literature in individuals with MSH6-related disease. This variant is not present in population databases (ExAC no frequency). This sequence change replaces leucine with histidine at codon 539 of the MSH6 protein (p.Leu539His). The leucine residue is highly conserved and there is a moderate physicochemical difference between leucine and histidine.

Literature cited by the submitters: PubMed 35449176 (cited by Ambry Genetics).